The following is an entry in ClinVar:

NM_002180.3(IGHMBP2):c.1137G>A (p.Gln379=)

Gene: IGHMBP2 (immunoglobulin mu DNA binding protein 2; plus strand). Cytogenetic location: 11q13.3.
Variant type: single nucleotide variant.
Coding change: c.1137G>A on transcript NM_002180.3 (MANE Select); coding-DNA position 1137, G replaced by A.
Protein change: p.Gln379=; no amino-acid change (glutamine 379 retained).
Molecular consequence: synonymous variant.
Genome position (GRCh38, 1-based): chr11:68,929,259, G>A. VCF-style: chr11-68929259-G-A. GRCh37 (hg19) VCF-style: chr11-68696727-G-A.
Identifiers: ClinVar variation 513535 (VCV000513535.6), dbSNP rs35995205, ClinGen allele CA223405773.
Genomic context (GRCh38, chr11:68,929,259, plus strand): 5'-CCCCCTGAAGTTGCTGCCCGAGAGCTACTTCGACGTGGTGGTCATTGACGAGTGTGCCCA[G>A]GCCCTCGAGGCGAGCTGCTGGATCCCCCTGCTGAAGGCCAGAAAGTGCATCCTGGCGGGC-3'
Protein context (NP_002171.2, residues 369-389): FDVVVIDECA[Gln379=]ALEASCWIPL

ClinVar aggregate classification (germline): Likely benign. Review status: criteria provided, multiple submitters, no conflicts (2 of 4 stars). 3 submissions from 3 submitters: Likely benign (3). Last evaluated 2023-09-29.

Conditions:
Charcot-Marie-Tooth disease axonal type 2S. Also called: CHARCOT-MARIE-TOOTH DISEASE, AXONAL, AUTOSOMAL RECESSIVE, TYPE 2S; CHARCOT-MARIE-TOOTH NEUROPATHY, TYPE 2S. Identifiers: Orphanet 443073, MedGen C4015349, MONDO:0014511, OMIM 616155.
Autosomal recessive distal spinal muscular atrophy 1. Also called: NEURONOPATHY, DISTAL HEREDITARY MOTOR, HARDING TYPE VI; NEUROPATHY, DISTAL HEREDITARY MOTOR, AUTOSOMAL RECESSIVE 1; NEURONOPATHY, SEVERE INFANTILE AXONAL, WITH RESPIRATORY FAILURE; SEVERE INFANTILE AXONAL NEUROPATHY WITH RESPIRATORY FAILURE; SPINAL MUSCULAR ATROPHY, DIAPHRAGMATIC; Spinal muscular atrophy with respiratory distress 1. Identifiers: Orphanet 98920, MedGen C1858517, MONDO:0011436, OMIM 604320.
Inborn genetic diseases. Identifiers: MedGen C0950123, MeSH D030342.

Allele frequency attached by ClinVar (database versions not stated): TOPMed below 0.00001; gnomAD 0.00001; gnomAD exomes 0.00001.
gnomAD v4.1: 12 of 1,613,776 alleles (0.00074%); highest among the groups gnomAD compares: Non-Finnish European, 0.001%; no homozygotes.

Submissions (3):

Labcorp Genetics (formerly Invitae), Labcorp
Classification: Likely benign for Autosomal recessive distal spinal muscular atrophy 1; Charcot-Marie-Tooth disease axonal type 2S. Last evaluated: 2023-09-29. Review status: criteria provided, single submitter. Criteria: Invitae Variant Classification Sherloc (09022015). Collection method: clinical testing. Allele origin: germline.

Ambry Genetics
Classification: Likely benign for Inborn genetic diseases. Last evaluated: 2019-07-11. Review status: criteria provided, single submitter. Criteria: Ambry Variant Classification Scheme 2023. Collection method: clinical testing. Allele origin: germline.

GeneDx
Classification: Likely benign. Last evaluated: 2017-11-28. Review status: criteria provided, single submitter. Criteria: GeneDx Variant Classification (06012015). Collection method: clinical testing. Allele origin: germline. Affected: yes.
Comment: This variant is considered likely benign or benign based on one or more of the following criteria: it is a conservative change, it occurs at a poorly conserved position in the protein, it is predicted to be benign by multiple in silico algorithms, and/or has population frequency not consistent with disease.